The following is an entry in ClinVar:

ClinVar aggregate classification (germline): Uncertain significance (1 of 4 stars; one submission).

Conditions:
Charcot-Marie-Tooth disease dominant intermediate F. Identifiers: Orphanet 352670, MedGen C4749463, MONDO:0014074, OMIM 615185.

Submission:

Labcorp Genetics (formerly Invitae), Labcorp
Classification: Uncertain significance for Charcot-Marie-Tooth disease dominant intermediate F. Last evaluated: 2022-02-03. Review status: criteria provided, single submitter. Criteria: Invitae Variant Classification Sherloc (09022015). Collection method: clinical testing. Allele origin: germline.
Comment: In summary, the available evidence is currently insufficient to determine the role of this variant in disease. Therefore, it has been classified as a Variant of Uncertain Significance. Experimental studies and prediction algorithms are not available or were not evaluated, and the functional significance of this variant is currently unknown. This variant has not been reported in the literature in individuals affected with GNB4-related conditions. This variant results in a copy number gain of the genomic region encompassing exon(s) 3-10 of the GNB4 gene. This region includes the termination codon of the gene. This copy number gain extends beyond the assayed region for this gene and therefore may encompass additional genes. As the precise location of this event is unknown, it may be in tandem or it may be located elsewhere in the genome.

NC_000003.11:g.(?_179119001)_(179138735_?)dup

Gene: GNB4 (G protein subunit beta 4; minus strand). Cytogenetic location: 3q26.33.
Variant type: Duplication.
Identifiers: ClinVar variation 1412291 (VCV001412291.5).